The following is an entry in ClinVar:

NM_012186.3(FOXE3):c.661A>T (p.Ser221Cys)

Genes: FOXE3 (forkhead box E3; plus strand), LINC01389 (long independently transcribed non-coding RNA 1389; minus strand). Cytogenetic location: 1p33.
Variant type: single nucleotide variant.
Coding change: c.661A>T on transcript NM_012186.3 (MANE Select); coding-DNA position 661, A replaced by T.
Protein change: p.Ser221Cys; replaces serine 221 with cysteine.
Molecular consequence: missense variant.
Genome position (GRCh38, 1-based): chr1:47,416,976, A>T. VCF-style: chr1-47416976-A-T. GRCh37 (hg19) VCF-style: chr1-47882648-A-T.
Other names: short protein forms S221C.
Identifiers: ClinVar variation 1754506 (VCV001754506.5), dbSNP rs1227294192, ClinGen allele CA340250441.

ClinVar aggregate classification (germline): Uncertain significance. Review status: criteria provided, multiple submitters, no conflicts (2 of 4 stars). 2 submissions from 2 submitters: Uncertain significance (2). Last evaluated 2025-01-03.

Conditions:
Cardiovascular phenotype. Identifiers: MedGen CN230736.
Anterior segment dysgenesis. Also called: Ocular anterior segment dysgenesis. Identifiers: Orphanet 88632, MedGen C1862839, MONDO:0019503, HP:0007700.
Congenital primary aphakia. Also called: ANTERIOR SEGMENT DYSGENESIS 2; Anterior segment dysgenesis 2, multiple subtypes. Identifiers: Orphanet 83461, MedGen C1853230, MONDO:0012456, OMIM 610256.

Allele frequency attached by ClinVar (database versions not stated): TOPMed below 0.00001; gnomAD exomes 0.00001.

Submissions (2):

Labcorp Genetics (formerly Invitae), Labcorp
Classification: Uncertain significance for Anterior segment dysgenesis; Congenital primary aphakia. Last evaluated: 2025-01-03. Review status: criteria provided, single submitter. Criteria: Invitae Variant Classification Sherloc (09022015). Collection method: clinical testing. Allele origin: germline.
Comment: This sequence change replaces serine, which is neutral and polar, with cysteine, which is neutral and slightly polar, at codon 221 of the FOXE3 protein (p.Ser221Cys). This variant is present in population databases (no rsID available, gnomAD 0.004%). This variant has not been reported in the literature in individuals affected with FOXE3-related conditions. ClinVar contains an entry for this variant (Variation ID: 1754506). Invitae Evidence Modeling of protein sequence and biophysical properties (such as structural, functional, and spatial information, amino acid conservation, physicochemical variation, residue mobility, and thermodynamic stability) has been performed for this missense variant. However, the output from this modeling did not meet the statistical confidence thresholds required to predict the impact of this variant on FOXE3 protein function. In summary, the available evidence is currently insufficient to determine the role of this variant in disease. Therefore, it has been classified as a Variant of Uncertain Significance.

Ambry Genetics
Classification: Uncertain significance for Cardiovascular phenotype. Last evaluated: 2024-06-04. Review status: criteria provided, single submitter. Criteria: Ambry Variant Classification Scheme 2023. Collection method: clinical testing. Allele origin: germline.
Comment: The p.S221C variant (also known as c.661A>T), located in coding exon 1 of the FOXE3 gene, results from an A to T substitution at nucleotide position 661. The serine at codon 221 is replaced by cysteine, an amino acid with dissimilar properties. This amino acid position is conserved. In addition, this alteration is predicted to be tolerated by in silico analysis. Since supporting evidence is limited at this time, the clinical significance of this alteration remains unclear.